The following is an entry in ClinVar:

NM_007294.4(BRCA1):c.2548del (p.Ser850fs)

Gene: BRCA1 (BRCA1 DNA repair associated; minus strand). Cytogenetic location: 17q21.31.
Variant type: Deletion.
Coding change: c.2548del on transcript NM_007294.4 (MANE Select); coding-DNA position 2548, one base deleted (A; older notation c.2548delA).
Protein change: p.Ser850fs; shifts the reading frame from serine 850.
Molecular consequence: frameshift variant. On other transcripts: intron variant (137).
Genome position (GRCh38, 1-based): chr17:43,092,983, T deleted on the plus strand (A on the coding strand, the reverse complement: BRCA1 is on the minus strand); the first of 3 consecutive T bases (chr17:43,092,983-43,092,985); deleting any one gives the same sequence. VCF-style (leftmost placement, unchanged base first): chr17-43092982-CT-C. GRCh37 (hg19) VCF-style: chr17-41244999-CT-C.
Other names: c.2548delA (NM_007294.3); c.2335del, p.Ser779fs (NM_001407571.1, NM_001407853.1, NM_001407894.1 and 9 more transcripts); c.2548del, p.Ser850fs (NM_001407581.1, NM_001407582.1, NM_001407583.1 and 30 more transcripts); c.2545del, p.Ser849fs (NM_001407587.1, NM_001407590.1, NM_001407591.1 and 22 more transcripts); c.2539del, p.Ser847fs (NM_001407646.1, NM_001407647.1); c.2425del, p.Ser809fs (NM_001407648.1, NM_001407664.1, NM_001407665.1 and 19 more transcripts); c.2422del, p.Ser808fs (NM_001407649.1, NM_001407670.1, NM_001407671.1 and 11 more transcripts); c.2470del, p.Ser824fs (NM_001407653.1, NM_001407654.1, NM_001407655.1 and 4 more transcripts); and 42 more; short protein forms S850fs, S803fs, S722fs, S739fs, S783fs, S824fs, S723fs, S782fs.
Identifiers: ClinVar variation 441315 (VCV000441315.10), dbSNP rs1555589434, ClinGen allele CA658653690.

ClinVar aggregate classification (germline): Pathogenic. Review status: reviewed by expert panel (3 of 4 stars). 4 submissions from 4 submitters: Pathogenic (1). 3 of the submissions do not count toward it. Last evaluated 2017-12-15.

Conditions:
Hereditary breast ovarian cancer syndrome. Also called: Hereditary breast and ovarian cancer syndrome (HBOC); BRCA1- and BRCA2-Associated Hereditary Breast and Ovarian Cancer; Hereditary breast and/or ovarian cancer syndrome; Hereditary breast and ovarian cancer syndrome; Hereditary breast and ovarian cancer; Breast and ovarian cancer. Identifiers: Orphanet 145, MedGen C0677776, MeSH D061325, MONDO:0003582. Disease mechanism: loss of function.
Hereditary cancer-predisposing syndrome. Also called: Neoplastic Syndromes, Hereditary; Hereditary neoplastic syndrome; Tumor predisposition; Hereditary Cancer Syndrome. Identifiers: Orphanet 140162, MedGen C0027672, MeSH D009386, MONDO:0015356.
Breast-ovarian cancer, familial, susceptibility to, 1 (BROVCA1). Also called: BRCA1 Hereditary Breast and Ovarian Cancer; OVARIAN CANCER, SUSCEPTIBILITY TO. Identifiers: Orphanet 145, MedGen C2676676, MONDO:0011450, OMIM 604370. Disease mechanism: loss of function.

Submissions (4):

Evidence-based Network for the Interpretation of Germline Mutant Alleles (ENIGMA)
Classification: Pathogenic for Breast-ovarian cancer, familial, susceptibility to, 1. Last evaluated: 2017-12-15. Review status: reviewed by expert panel. Criteria: ENIGMA BRCA1/2 Classification Criteria (2017-06-29). Collection method: curation. Allele origin: germline. Study: ENIGMA.
Comment: Variant allele predicted to encode a truncated non-functional protein.

Labcorp Genetics (formerly Invitae), Labcorp
Classification: Pathogenic for Hereditary breast ovarian cancer syndrome. Last evaluated: 2023-10-11. Review status: criteria provided, single submitter. Criteria: Invitae Variant Classification Sherloc (09022015). Collection method: clinical testing. Allele origin: germline. Not counted in ClinVar's aggregate classification.
Comment: This sequence change creates a premature translational stop signal (p.Ser850Valfs*43) in the BRCA1 gene. It is expected to result in an absent or disrupted protein product. Loss-of-function variants in BRCA1 are known to be pathogenic (PMID: 20104584). This variant is not present in population databases (gnomAD no frequency). This variant has not been reported in the literature in individuals affected with BRCA1-related conditions. ClinVar contains an entry for this variant (Variation ID: 441315). For these reasons, this variant has been classified as Pathogenic.

Myriad Genetics, Inc.
Classification: Pathogenic for Breast-ovarian cancer, familial, susceptibility to, 1. Last evaluated: 2023-03-14. Review status: criteria provided, single submitter. Criteria: Myriad Autosomal Dominant, Autosomal Recessive and X-Linked Classification Criteria (2023). Collection method: clinical testing. Allele origin: unknown. Not counted in ClinVar's aggregate classification.
Comment: This variant is considered pathogenic. This variant creates a frameshift predicted to result in premature protein truncation.

Ambry Genetics
Classification: Pathogenic for Hereditary cancer-predisposing syndrome. Last evaluated: 2017-12-18. Review status: criteria provided, single submitter. Criteria: Ambry Variant Classification Scheme 2023. Collection method: clinical testing. Allele origin: germline. Not counted in ClinVar's aggregate classification.
Comment: The c.2548delA pathogenic mutation, located in coding exon 9 of the BRCA1 gene, results from a deletion of one nucleotide at nucleotide position 2548, causing a translational frameshift with a predicted alternate stop codon (p.S850Vfs*43). This alteration is expected to result in loss of function by premature protein truncation or nonsense-mediated mRNA decay. As such, this alteration is interpreted as a disease-causing mutation.

Literature cited by the submitters: PubMed 20104584 (cited by Labcorp Genetics (formerly Invitae), Labcorp).